The following is an entry in ClinVar:

ClinVar aggregate classification (germline): Uncertain significance (1 of 4 stars; one submission).

Conditions:
Hereditary cancer-predisposing syndrome. Also called: Tumor predisposition; Hereditary neoplastic syndrome; Hereditary Cancer Syndrome; Neoplastic Syndromes, Hereditary. Identifiers: Orphanet 140162, MedGen C0027672, MeSH D009386, MONDO:0015356.

Submission:

Ambry Genetics
Classification: Uncertain significance for Hereditary cancer-predisposing syndrome. Last evaluated: 2025-05-31. Review status: criteria provided, single submitter. Criteria: Ambry Variant Classification Scheme 2023. Collection method: clinical testing. Allele origin: germline.
Comment: The c.554delC variant, located in coding exon 4 of the POLD1 gene, results from a deletion of one nucleotide at nucleotide position 554, causing a translational frameshift with a predicted alternate stop codon (p.P185Rfs*91). This alteration is expected to result in protein truncation or nonsense-mediated mRNA decay. However, loss of function of POLD1 has not been established as a mechanism of disease. Based on the available evidence, the clinical significance of this alteration remains unclear.

NM_002691.4(POLD1):c.554del (p.Pro185fs)

Gene: POLD1 (DNA polymerase delta 1, catalytic subunit; plus strand). Cytogenetic location: 19q13.33.
Variant type: Deletion.
Coding change: c.554del on transcript NM_002691.4 (MANE Select); coding-DNA position 554, one base deleted (C; older notation c.554delC).
Protein change: p.Pro185fs; shifts the reading frame from proline 185.
Molecular consequence: frameshift variant. On other transcripts: non-coding transcript variant (1).
Genome position (GRCh38, 1-based): chr19:50,402,089, C deleted; the last of 2 consecutive C bases (chr19:50,402,088-50,402,089); deleting either gives the same sequence. VCF-style (leftmost placement, unchanged base first): chr19-50402087-GC-G. GRCh37 (hg19) VCF-style: chr19-50905344-GC-G.
Other names: c.554del, p.Pro185fs (NM_001256849.1, NM_001308632.1); short protein forms P185fs.
Identifiers: ClinVar variation 3935534 (VCV003935534.1).